The following is an entry in ClinVar:

ClinVar aggregate classification (germline): Likely benign. Review status: criteria provided, multiple submitters, no conflicts (2 of 4 stars). 2 submissions from 2 submitters: Likely benign (2). Last evaluated 2025-03-01.

gnomAD v4.1: 9 of 1,612,716 alleles (0.00056%); highest among the groups gnomAD compares: Admixed American, 0.01%; no homozygotes.

Submissions (2):

CeGaT Center for Human Genetics Tuebingen
Classification: Likely benign. Last evaluated: 2025-03-01. Review status: criteria provided, single submitter. Criteria: CeGaT Center For Human Genetics Tuebingen Variant Classification Criteria Version 2. Collection method: clinical testing. Allele origin: germline. Affected: yes. Observed: 1 variant allele.
Comment: MAPK8IP3: BP4, BP7

Blueprint Genetics
Classification: Likely benign. Last evaluated: 2024-08-16. Review status: criteria provided, single submitter. Criteria: ACMG Guidelines, 2015. Collection method: clinical testing. Allele origin: germline.

NM_001318852.2(MAPK8IP3):c.2517C>T (p.Gly839=)

Gene: MAPK8IP3 (mitogen-activated protein kinase 8 interacting protein 3; plus strand). Cytogenetic location: 16p13.3.
Variant type: single nucleotide variant.
Coding change: c.2517C>T on transcript NM_001318852.2 (MANE Select); coding-DNA position 2517, C replaced by T.
Protein change: p.Gly839=; no amino-acid change (glycine 839 retained).
Molecular consequence: synonymous variant.
Genome position (GRCh38, 1-based): chr16:1,766,030, C>T. VCF-style: chr16-1766030-C-T. GRCh37 (hg19) VCF-style: chr16-1816031-C-T.
Other names: c.2496C>T, p.Gly832= (NM_001040439.2); c.2514C>T, p.Gly838= (NM_015133.5).
Identifiers: ClinVar variation 3778002 (VCV003778002.8).
Genomic context (GRCh38, chr16:1,766,030, plus strand): 5'-CAGCGACTACCCTCCCGGGGAGATGTTCCTGGACAGCGACGTGAACCCAGAGGACCCGGG[C>T]GCAGATGGCGTGCTGGCCGGTATCACCCTGGTGGGCTGTGCCACCCGCTGCAACGTGCCG-3'
Protein context (NP_001305781.1, residues 829-849): LDSDVNPEDP[Gly839=]ADGVLAGITL